The following is an entry in ClinVar:

NM_001367873.1(SOX6):c.841G>A (p.Ala281Thr)

Genes: SOX6 (SRY-box transcription factor 6; minus strand), LOC128772343 (melanoma risk locus-associated MPRA allelic enhancer 11:16133413; plus strand). Cytogenetic location: 11p15.2.
Variant type: single nucleotide variant.
Coding change: c.841G>A on transcript NM_001367873.1 (MANE Select); coding-DNA position 841, G replaced by A.
Protein change: p.Ala281Thr; replaces alanine 281 with threonine.
Molecular consequence: missense variant.
Genome position (GRCh38, 1-based): chr11:16,111,860, C>T on the plus strand (G>A on the coding strand, the complement: SOX6 is on the minus strand). VCF-style: chr11-16111860-C-T. GRCh37 (hg19) VCF-style: chr11-16133406-C-T.
Other names: c.841G>A, p.Ala281Thr (NM_001145811.2, NM_001145819.2, NM_001367872.1 and 2 more transcripts); short protein forms A281T.
Identifiers: ClinVar variation 1695601 (VCV001695601.2), dbSNP rs1428556894, ClinGen allele CA379875525.

ClinVar aggregate classification (germline): Uncertain significance (1 of 4 stars; one submission).

Allele frequency attached by ClinVar (database versions not stated): gnomAD exomes below 0.00001.
gnomAD v4.1: 1 of 1,612,890 alleles (0.000062%); highest among the groups gnomAD compares: South Asian, 0.0011%; no homozygotes.

Submission:

GeneDx
Classification: Uncertain significance. Last evaluated: 2022-01-05. Review status: criteria provided, single submitter. Criteria: GeneDx Variant Classification Process June 2021. Collection method: clinical testing. Allele origin: germline. Affected: yes.
Comment: In silico analysis supports that this missense variant does not alter protein structure/function; Has not been previously published as pathogenic or benign to our knowledge